The following is an entry in ClinVar:

NM_000051.4(ATM):c.2369G>C (p.Cys790Ser)

Gene: ATM (ATM serine/threonine kinase; plus strand). Cytogenetic location: 11q22.3.
Variant type: single nucleotide variant.
Coding change: c.2369G>C on transcript NM_000051.4 (MANE Select); coding-DNA position 2369, G replaced by C.
Protein change: p.Cys790Ser; replaces cysteine 790 with serine.
Molecular consequence: missense variant.
Genome position (GRCh38, 1-based): chr11:108,257,599, G>C. VCF-style: chr11-108257599-G-C. GRCh37 (hg19) VCF-style: chr11-108128326-G-C.
Other names: c.2369G>C, p.Cys790Ser (NM_001351834.2); short protein forms C790S.
Identifiers: ClinVar variation 478998 (VCV000478998.22), dbSNP rs764538548, ClinGen allele CA6264996.

ClinVar aggregate classification (germline): Uncertain significance. Review status: criteria provided, multiple submitters, no conflicts (2 of 4 stars). 4 submissions from 4 submitters: Uncertain significance (3). 1 of the submissions does not count toward it. Last evaluated 2025-10-21.

Conditions:
Hereditary cancer-predisposing syndrome. Also called: Tumor predisposition; Neoplastic Syndromes, Hereditary; Hereditary Cancer Syndrome; Hereditary neoplastic syndrome. Identifiers: Orphanet 140162, MedGen C0027672, MeSH D009386, MONDO:0015356.
Familial cancer of breast. Also called: BREAST CANCER, FAMILIAL; Hereditary breast cancer; hereditary breast carcinoma. Identifiers: Orphanet 227535, MedGen C0346153, MONDO:0016419, OMIM 114480. Disease mechanism: loss of function.
Ataxia-telangiectasia syndrome (AT). Also called: Cerebello-oculocutaneous telangiectasia; Immunodeficiency with ataxia telangiectasia; ATAXIA-TELANGIECTASIA, COMPLEMENTATION GROUP A; Ataxia-telangiectasia, complementation group D; AT, COMPLEMENTATION GROUP C; ATAXIA-TELANGIECTASIA, FRESNO VARIANT. Identifiers: Orphanet 100, MedGen C0004135, MONDO:0008840, OMIM 208900.

Allele frequency attached by ClinVar (database versions not stated): gnomAD exomes below 0.00001; ExAC 0.00001; gnomAD 0.00001; TOPMed 0.00001.
gnomAD v4.1: 4 of 1,613,426 alleles (0.00025%); highest among the groups gnomAD compares: African/African-American, 0.004%; no homozygotes.

Submissions (4):

Labcorp Genetics (formerly Invitae), Labcorp
Classification: Uncertain significance for Ataxia-telangiectasia syndrome. Last evaluated: 2025-10-21. Review status: criteria provided, single submitter. Criteria: Invitae Variant Classification Sherloc (09022015). Collection method: clinical testing. Allele origin: germline.
Comment: This sequence change replaces cysteine, which is neutral and slightly polar, with serine, which is neutral and polar, at codon 790 of the ATM protein (p.Cys790Ser). This variant is present in population databases (rs764538548, gnomAD 0.007%). This variant has not been reported in the literature in individuals affected with ATM-related conditions. ClinVar contains an entry for this variant (Variation ID: 478998). Invitae Evidence Modeling of protein sequence and biophysical properties (such as structural, functional, and spatial information, amino acid conservation, physicochemical variation, residue mobility, and thermodynamic stability) indicates that this missense variant is not expected to disrupt ATM protein function with a negative predictive value of 95%. In summary, the available evidence is currently insufficient to determine the role of this variant in disease. Therefore, it has been classified as a Variant of Uncertain Significance.

Ambry Genetics
Classification: Uncertain significance for Hereditary cancer-predisposing syndrome. Last evaluated: 2025-05-24. Review status: criteria provided, single submitter. Criteria: Ambry Variant Classification Scheme 2023. Collection method: clinical testing. Allele origin: germline.
Comment: The p.C790S variant (also known as c.2369G>C), located in coding exon 14 of the ATM gene, results from a G to C substitution at nucleotide position 2369. The cysteine at codon 790 is replaced by serine, an amino acid with dissimilar properties. This amino acid position is well conserved in available vertebrate species. In addition, the in silico prediction for this alteration is inconclusive. Since supporting evidence is limited at this time, the clinical significance of this alteration remains unclear.

Baylor Genetics
Classification: Uncertain significance for Familial cancer of breast. Last evaluated: 2021-08-05. Review status: criteria provided, single submitter. Criteria: ACMG Guidelines, 2015. Collection method: clinical testing. Allele origin: unknown.

Natera, Inc.
Classification: Uncertain significance for Ataxia-telangiectasia. Last evaluated: 2020-07-21. Review status: no assertion criteria provided. Collection method: clinical testing. Allele origin: germline. Not counted in ClinVar's aggregate classification.